The following is an entry in ClinVar:

ClinVar aggregate classification (germline): Pathogenic. Review status: criteria provided, multiple submitters, no conflicts (2 of 4 stars). 3 submissions from 3 submitters: Pathogenic (3). Last evaluated 2024-09-09.

Conditions:
T-B+ severe combined immunodeficiency due to JAK3 deficiency. Also called: SCID, T CELL-NEGATIVE, B CELL-POSITIVE, NK CELL-NEGATIVE; SCID, autosomal recessive, T-negative/B-positive type. Identifiers: Orphanet 35078, MedGen C1833275, MONDO:0010938, OMIM 600802.
Severe combined immunodeficiency disease. Also called: Severe Combined Immune Deficiency; Severe combined immunodeficiency. Identifiers: Orphanet 183660, MedGen C0085110, MeSH D016511, MONDO:0015974, HP:0004430. Inheritance: X-Linked or Autosomal recessive.

Allele frequency attached by ClinVar (database versions not stated): TOPMed below 0.00001; gnomAD exomes 0.00001; gnomAD 0.00003.
gnomAD v4.1: 7 of 1,612,692 alleles (0.00043%); highest among the groups gnomAD compares: Non-Finnish European, 0.00059%; no homozygotes.

Submissions (3):

Women's Health and Genetics/Laboratory Corporation of America, LabCorp
Classification: Pathogenic for Severe combined immunodeficiency disease. Last evaluated: 2024-09-09. Review status: criteria provided, single submitter. Criteria: LabCorp Variant Classification Summary - May 2015. Collection method: clinical testing. Allele origin: germline.
Comment: Variant summary: JAK3 c.2712C>A (p.Tyr904X) results in a premature termination codon, predicted to cause a truncation of the encoded protein or absence of the protein due to nonsense mediated decay, which are commonly known mechanisms for disease. The variant allele was found at a frequency of 4.3e-06 in 1612692 control chromosomes (gnomAD database v4). c.2712C>A has been reported in the literature in individuals affected with Severe Combined Immunodeficiency (Lebet_2008). To our knowledge, no experimental evidence demonstrating an impact on protein function has been reported. The following publication have been ascertained in the context of this evaluation (PMID: 18641513). ClinVar contains an entry for this variant (Variation ID: 2782819). Based on the evidence outlined above, the variant was classified as pathogenic.

Fulgent Genetics
Classification: Pathogenic for T-B+ severe combined immunodeficiency due to JAK3 deficiency. Last evaluated: 2024-03-30. Review status: criteria provided, single submitter. Criteria: ACMG Guidelines, 2015. Collection method: clinical testing. Allele origin: germline.

Labcorp Genetics (formerly Invitae), Labcorp
Classification: Pathogenic for T-B+ severe combined immunodeficiency due to JAK3 deficiency. Last evaluated: 2024-02-24. Review status: criteria provided, single submitter. Criteria: Invitae Variant Classification Sherloc (09022015). Collection method: clinical testing. Allele origin: germline.
Comment: This sequence change creates a premature translational stop signal (p.Tyr904*) in the JAK3 gene. It is expected to result in an absent or disrupted protein product. Loss-of-function variants in JAK3 are known to be pathogenic (PMID: 7481768, 11668621). The frequency data for this variant in the population databases is considered unreliable, as metrics indicate poor data quality at this position in the gnomAD database. This variant has not been reported in the literature in individuals affected with JAK3-related conditions. For these reasons, this variant has been classified as Pathogenic.

Literature cited by the submitters: PubMed 18641513 (cited by Women's Health and Genetics/Laboratory Corporation of America, LabCorp); PubMed 7481768 (cited by Labcorp Genetics (formerly Invitae), Labcorp); PubMed 11668621 (cited by Labcorp Genetics (formerly Invitae), Labcorp).

NM_000215.4(JAK3):c.2712C>A (p.Tyr904Ter)

Gene: JAK3 (Janus kinase 3; minus strand). Cytogenetic location: 19p13.11.
Variant type: single nucleotide variant.
Coding change: c.2712C>A on transcript NM_000215.4 (MANE Select); coding-DNA position 2712, C replaced by A.
Protein change: p.Tyr904Ter; replaces tyrosine 904 with a stop codon.
Molecular consequence: nonsense.
Genome position (GRCh38, 1-based): chr19:17,831,767, G>T on the plus strand (C>A on the coding strand, the complement: JAK3 is on the minus strand). VCF-style: chr19-17831767-G-T. GRCh37 (hg19) VCF-style: chr19-17942576-G-T.
Other names: short protein forms Y904*.
Identifiers: ClinVar variation 2782819 (VCV002782819.5), dbSNP rs1187805545, ClinGen allele CA404765720.